The following is an entry in ClinVar:

ClinVar aggregate classification (germline): Uncertain significance (1 of 4 stars; one submission).

Submission:

Dasa
Classification: Uncertain significance. Last evaluated: 2025-04-21. Review status: criteria provided, single submitter. Criteria: DASA Assertion Criteria. Collection method: clinical testing. Allele origin: germline.
Comment: NM_003482.4(KMT2D):c.4783A>T (p.Thr1595Ser) is a missense variant that results in the substitution of threonine with serine. This variant is absent from population databases. Computational prediction algorithms are consistent with a benign effect. The currently available literature and clinical evidence are not sufficient to establish a definitive association between this variant and the reported condition. Therefore, this variant is classified as a variant of uncertain significance.

NM_003482.4(KMT2D):c.4783A>T (p.Thr1595Ser)

Gene: KMT2D (lysine methyltransferase 2D; minus strand). Cytogenetic location: 12q13.12.
Variant type: single nucleotide variant.
Coding change: c.4783A>T on transcript NM_003482.4 (MANE Select); coding-DNA position 4783, A replaced by T.
Protein change: p.Thr1595Ser; replaces threonine 1595 with serine.
Molecular consequence: missense variant.
Genome position (GRCh38, 1-based): chr12:49,044,924, T>A on the plus strand (A>T on the coding strand, the complement: KMT2D is on the minus strand). VCF-style: chr12-49044924-T-A. GRCh37 (hg19) VCF-style: chr12-49438707-T-A.
Other names: short protein forms T1595S.
Identifiers: ClinVar variation 4885697 (VCV004885697.2).